The following is an entry in ClinVar:

ClinVar aggregate classification (germline): Uncertain significance (1 of 4 stars; one submission).

Conditions:
Congenital disorder of glycosylation, type Ii. Also called: ALG2-congenital disorder of glycosylation; CDG Ii; ALG2-CDG. Identifiers: Orphanet 79326, MedGen C1842836, MONDO:0011933, OMIM 607906.
Congenital myasthenic syndrome 14. Also called: Myasthenic syndrome, congenital, 14, with tubular aggregates. Identifiers: Orphanet 353327, Orphanet 590, MedGen C4015597, MONDO:0014543, OMIM 616228.

Allele frequency attached by ClinVar (database versions not stated): TOPMed below 0.00001.

Submission:

Labcorp Genetics (formerly Invitae), Labcorp
Classification: Uncertain significance for Congenital disorder of glycosylation, type Ii; Congenital myasthenic syndrome 14. Last evaluated: 2022-07-18. Review status: criteria provided, single submitter. Criteria: Invitae Variant Classification Sherloc (09022015). Collection method: clinical testing. Allele origin: germline.
Comment: This variant is not present in population databases (gnomAD no frequency). This sequence change replaces valine, which is neutral and non-polar, with isoleucine, which is neutral and non-polar, at codon 95 of the ALG2 protein (p.Val95Ile). This variant has not been reported in the literature in individuals affected with ALG2-related conditions. In summary, the available evidence is currently insufficient to determine the role of this variant in disease. Therefore, it has been classified as a Variant of Uncertain Significance. Algorithms developed to predict the effect of missense changes on protein structure and function output the following: SIFT: "Tolerated"; PolyPhen-2: "Benign"; Align-GVGD: "Class C0". The isoleucine amino acid residue is found in multiple mammalian species, which suggests that this missense change does not adversely affect protein function.

NM_033087.4(ALG2):c.283G>A (p.Val95Ile)

Gene: ALG2 (ALG2 alpha-1,3/1,6-mannosyltransferase; minus strand). Cytogenetic location: 9q22.33.
Variant type: single nucleotide variant.
Coding change: c.283G>A on transcript NM_033087.4 (MANE Select); coding-DNA position 283, G replaced by A.
Protein change: p.Val95Ile; replaces valine 95 with isoleucine.
Molecular consequence: missense variant. On other transcripts: non-coding transcript variant (1).
Genome position (GRCh38, 1-based): chr9:99,221,612, C>T on the plus strand (G>A on the coding strand, the complement: ALG2 is on the minus strand). VCF-style: chr9-99221612-C-T. GRCh37 (hg19) VCF-style: chr9-101983894-C-T.
Other names: short protein forms V95I.
Identifiers: ClinVar variation 2167718 (VCV002167718.4), dbSNP rs1828803831, ClinGen allele CA374231450.
Genomic context (GRCh38, chr9:99,221,612, plus strand): 5'-CGCACACTACCACGTCGAACTCCTCGTCGGCGAGGAACAGCACGTAGAGCGCCAGGAAAA[C>T]CATGCGCACGTAGGCGCAGACGGCGGCGCCGCGGCCGCCCCAGCCCAGGCCTCGCGGCAG-3'
Protein context (NP_149078.1, residues 85-105): GAAVCAYVRM[Val95Ile]FLALYVLFLA